The following is an entry in ClinVar:

ClinVar aggregate classification (germline): Uncertain significance (1 of 4 stars; one submission).

Conditions:
Autosomal recessive congenital ichthyosis 3 (ARCI3). Also called: ICHTHYOSIS, LAMELLAR, 5. Identifiers: MedGen C3539888, MONDO:0011680, OMIM 606545.

gnomAD v4.1: 7 of 1,614,144 alleles (0.00043%); highest among the groups gnomAD compares: South Asian, 0.0077%; no homozygotes.

Submission:

Neuberg Centre For Genomic Medicine, NCGM
Classification: Uncertain significance for Autosomal recessive congenital ichthyosis 3. Last evaluated: 2023-07-22. Review status: criteria provided, single submitter. Criteria: ACMG Guidelines, 2015. Collection method: clinical testing. Allele origin: germline. Inheritance: Autosomal recessive inheritance. Affected: yes.
Comment: The missense variant c.554G>C p.Ser185Thr in the ALOXE3 gene has not been reported previously as a pathogenic variant nor as a benign variant, to our knowledge. This variant is reported with the allele frequency 0.001% in the gnomAD Exomes. The amino acid Ser at position 185 is changed to a Thr changing protein sequence and it might alter its composition and physico-chemical properties. Computational evidence Polyphen, SIFT and MutationTaster predicts conflicting evidence on protein structure and function for this variant. The amino acid change p.Ser185Thr in ALOXE3 is predicted as conserved by GERP++ and PhyloP across 100 vertebrates. For these reasons, this variant has been classified as Uncertain Significance.

NM_021628.3(ALOXE3):c.554G>C (p.Ser185Thr)

Gene: ALOXE3 (arachidonate epidermal lipoxygenase 3; minus strand). Cytogenetic location: 17p13.1.
Variant type: single nucleotide variant.
Coding change: c.554G>C on transcript NM_021628.3 (MANE Select); coding-DNA position 554, G replaced by C.
Protein change: p.Ser185Thr; replaces serine 185 with threonine.
Molecular consequence: missense variant.
Genome position (GRCh38, 1-based): chr17:8,114,938, C>G on the plus strand (G>C on the coding strand, the complement: ALOXE3 is on the minus strand). VCF-style: chr17-8114938-C-G. GRCh37 (hg19) VCF-style: chr17-8018256-C-G.
Other names: c.950G>C, p.Ser317Thr (NM_001165960.1); c.554G>C, p.Ser185Thr (NM_001369446.1); short protein forms S185T, S317T.
Identifiers: ClinVar variation 3391319 (VCV003391319.1).
Genomic context (GRCh38, chr17:8,114,938, plus strand): 5'-CCTCCCGACAGACCTTCCACTTGACTTCCTTTCCCCTCCTTCCCAAGCTTTAATCTTCAC[C>G]TGTCACCCTGGTCTACACAAGTTGTCGTCTTTGTCAAGGCAAATTTCTTGTCTGACTCCA-3'
Protein context (NP_067641.2, residues 175-195): KTTTCVDQGD[Ser185Thr]SGNRYLPGFP